The following is an entry in ClinVar:

NM_001130009.3(GEN1):c.928_929delinsTA (p.Ser310Tyr)

Gene: GEN1 (GEN1 structure-specific endonuclease; plus strand). Cytogenetic location: 2p24.2.
Variant type: Indel.
Coding change: c.928_929delinsTA on transcript NM_001130009.3 (MANE Select); coding-DNA positions 928 to 929, AG replaced by TA.
Protein change: p.Ser310Tyr; replaces serine 310 with tyrosine.
Molecular consequence: missense variant.
Genome position (GRCh38, 1-based): chr2:17,772,759-17,772,760, AG replaced by TA. VCF-style: chr2-17772759-AG-TA. GRCh37 (hg19) VCF-style: chr2-17954026-AG-TA.
Other names: c.928_929delinsTA, p.Ser310Tyr (NM_182625.5); short protein forms S310Y.
Identifiers: ClinVar variation 1390292 (VCV001390292.6), dbSNP rs2125147397, ClinGen allele CA2573133131.

ClinVar aggregate classification (germline): Uncertain significance (1 of 4 stars; one submission).

Submission:

Labcorp Genetics (formerly Invitae), Labcorp
Classification: Uncertain significance. Last evaluated: 2021-10-30. Review status: criteria provided, single submitter. Criteria: Invitae Variant Classification Sherloc (09022015). Collection method: clinical testing. Allele origin: germline.
Comment: In summary, the available evidence is currently insufficient to determine the role of this variant in disease. Therefore, it has been classified as a Variant of Uncertain Significance. This variant has not been reported in the literature in individuals affected with GEN1-related conditions. This sequence change replaces serine, which is neutral and polar, with tyrosine, which is neutral and polar, at codon 310 of the GEN1 protein (p.Ser310Tyr). Information on the frequency of this variant in the gnomAD database is not available, as this variant may be reported differently in the database. Algorithms developed to predict the effect of missense changes on protein structure and function are either unavailable or do not agree on the potential impact of this missense change (SIFT: "Not Available"; PolyPhen-2: "Benign"; Align-GVGD: "Not Available").